The following is an entry in ClinVar:

ClinVar aggregate classification (germline): Likely pathogenic (1 of 4 stars; one submission).

Submission:

Labcorp Genetics (formerly Invitae), Labcorp
Classification: Likely pathogenic. Last evaluated: 2023-04-20. Review status: criteria provided, single submitter. Criteria: Invitae Variant Classification Sherloc (09022015). Collection method: clinical testing. Allele origin: germline.
Comment: This sequence change replaces leucine, which is neutral and non-polar, with glutamine, which is neutral and polar, at codon 155 of the KRT5 protein (p.Leu155Gln). This variant is not present in population databases (gnomAD no frequency). This missense change has been observed in individual(s) with clinical feature of autosomal dominant epidermolysis bullosa simplex (Invitae). Advanced modeling of protein sequence and biophysical properties (such as structural, functional, and spatial information, amino acid conservation, physicochemical variation, residue mobility, and thermodynamic stability) performed at Invitae indicates that this missense variant is expected to disrupt KRT5 protein function. In summary, the currently available evidence indicates that the variant is pathogenic, but additional data are needed to prove that conclusively. Therefore, this variant has been classified as Likely Pathogenic.

NM_000424.4(KRT5):c.464T>A (p.Leu155Gln)

Gene: KRT5 (keratin 5; minus strand). Cytogenetic location: 12q13.13.
Variant type: single nucleotide variant.
Coding change: c.464T>A on transcript NM_000424.4 (MANE Select); coding-DNA position 464, T replaced by A.
Protein change: p.Leu155Gln; replaces leucine 155 with glutamine.
Molecular consequence: missense variant.
Genome position (GRCh38, 1-based): chr12:52,519,833, A>T on the plus strand (T>A on the coding strand, the complement: KRT5 is on the minus strand). VCF-style: chr12-52519833-A-T. GRCh37 (hg19) VCF-style: chr12-52913617-A-T.
Other names: short protein forms L155Q.
Identifiers: ClinVar variation 2825784 (VCV002825784.3), dbSNP rs2498409394, ClinGen allele CA384929105.